The following is an entry in ClinVar:

NM_000346.4(SOX9):c.508C>G (p.Pro170Ala)

Gene: SOX9 (SRY-box transcription factor 9; plus strand). Cytogenetic location: 17q24.3.
Variant type: single nucleotide variant.
Coding change: c.508C>G on transcript NM_000346.4 (MANE Select); coding-DNA position 508, C replaced by G.
Protein change: p.Pro170Ala; replaces proline 170 with alanine.
Molecular consequence: missense variant.
Genome position (GRCh38, 1-based): chr17:72,122,795, C>G. VCF-style: chr17-72122795-C-G. GRCh37 (hg19) VCF-style: chr17-70118936-C-G.
Other names: short protein forms P170A.
Identifiers: ClinVar variation 996802 (VCV000996802.13), dbSNP rs866706988, ClinGen allele CA400866450.

ClinVar aggregate classification (germline): Likely pathogenic. Review status: criteria provided, multiple submitters, no conflicts (2 of 4 stars). 3 submissions from 3 submitters: Likely pathogenic (3). Last evaluated 2022-06-20.

Conditions:
Camptomelic dysplasia (CMPD). Also called: CMPD1/SRA1; Campomelic Dysplasia. Identifiers: Orphanet 140, MedGen C1861922, MONDO:0007251, OMIM 114290.

Submissions (3):

Labcorp Genetics (formerly Invitae), Labcorp
Classification: Likely pathogenic for Camptomelic dysplasia. Last evaluated: 2022-06-20. Review status: criteria provided, single submitter. Criteria: Invitae Variant Classification Sherloc (09022015). Collection method: clinical testing. Allele origin: germline.
Comment: In summary, the currently available evidence indicates that the variant is pathogenic, but additional data are needed to prove that conclusively. Therefore, this variant has been classified as Likely Pathogenic. This variant disrupts the p.Pro170 amino acid residue in SOX9. Other variant(s) that disrupt this residue have been determined to be pathogenic (PMID: 9002675). This suggests that this residue is clinically significant, and that variants that disrupt this residue are likely to be disease-causing. Advanced modeling of protein sequence and biophysical properties (such as structural, functional, and spatial information, amino acid conservation, physicochemical variation, residue mobility, and thermodynamic stability) performed at Invitae indicates that this missense variant is expected to disrupt SOX9 protein function. ClinVar contains an entry for this variant (Variation ID: 996802). This variant has not been reported in the literature in individuals affected with SOX9-related conditions. This variant is not present in population databases (gnomAD no frequency). This sequence change replaces proline, which is neutral and non-polar, with alanine, which is neutral and non-polar, at codon 170 of the SOX9 protein (p.Pro170Ala).

Institute of Medical Genetics and Applied Genomics, University Hospital Tübingen
Classification: Likely pathogenic. Last evaluated: 2021-02-01. Review status: criteria provided, single submitter. Criteria: ACMG Guidelines, 2015. Collection method: clinical testing. Allele origin: germline. Inheritance: Autosomal dominant inheritance. Affected: yes.

Baylor Genetics
Classification: Likely pathogenic for Camptomelic dysplasia. Review status: criteria provided, single submitter. Criteria: ACMG Guidelines, 2015. Collection method: clinical testing. Allele origin: unknown.

Literature cited by the submitters: PubMed 9002675 (cited by Labcorp Genetics (formerly Invitae), Labcorp).